The following is an entry in ClinVar:

ClinVar aggregate classification (germline): Pathogenic/Likely pathogenic. Review status: criteria provided, multiple submitters, no conflicts (2 of 4 stars). 11 submissions from 11 submitters: Pathogenic (7); Likely pathogenic (3). 1 of the submissions does not count toward it. Last evaluated 2025-07-16.

Conditions:
Hereditary breast ovarian cancer syndrome. Also called: Hereditary breast and ovarian cancer syndrome; Hereditary breast and/or ovarian cancer syndrome; BRCA1- and BRCA2-Associated Hereditary Breast and Ovarian Cancer; Hereditary breast and ovarian cancer syndrome (HBOC); Hereditary breast and ovarian cancer; Breast and ovarian cancer. Identifiers: Orphanet 145, MedGen C0677776, MeSH D061325, MONDO:0003582. Disease mechanism: loss of function.
Inherited ovarian cancer (without breast cancer).
Fanconi anemia complementation group O. Also called: RAD51C-Related Fanconi Anemia. Identifiers: Orphanet 84, MedGen C3150653, MONDO:0013248, OMIM 613390.
Familial ovarian cancer. Identifiers: MedGen C5679802, MONDO:0016248.
Breast-ovarian cancer, familial, susceptibility to, 3. Also called: RAD51C-Related Breast/Ovarian Cancer. Identifiers: Orphanet 145, MedGen C3150659, MONDO:0013253, OMIM 613399.
Hereditary cancer-predisposing syndrome. Also called: Hereditary neoplastic syndrome; Neoplastic Syndromes, Hereditary; Tumor predisposition; Hereditary Cancer Syndrome. Identifiers: Orphanet 140162, MedGen C0027672, MeSH D009386, MONDO:0015356.

Submissions (11):

Cambridge Genomics Laboratory, East Genomic Laboratory Hub, NHS Genomic Medicine Service
Classification: Pathogenic for Inherited ovarian cancer (without breast cancer). Last evaluated: 2025-07-16. Review status: criteria provided, single submitter. Criteria: ACGS Best Practice Guidelines for Variant Classification in Rare Disease 2020. Collection method: clinical testing. Allele origin: germline. Affected: yes.
Comment: PVS1,PM2_Supporting,PM5_Supporting

Ambry Genetics
Classification: Pathogenic for Hereditary cancer-predisposing syndrome. Last evaluated: 2025-07-07. Review status: criteria provided, single submitter. Criteria: Ambry Variant Classification Scheme 2023. Collection method: clinical testing. Allele origin: germline.
Comment: The c.732delT pathogenic mutation, located in coding exon 5 of the RAD51C gene, results from a deletion of one nucleotide at nucleotide position 732, causing a translational frameshift with a predicted alternate stop codon (p.I244Mfs*9). This alteration has been reported in a cohort of women with invasive epithelial ovarian cancer (Song H et al. J. Clin. Oncol., 2015 Sep;33:2901-7). This variant is considered to be rare based on population cohorts in the Genome Aggregation Database (gnomAD). In addition to the clinical data presented in the literature, this alteration is expected to result in loss of function by premature protein truncation or nonsense-mediated mRNA decay. As such, this alteration is interpreted as a disease-causing mutation.

Labcorp Genetics (formerly Invitae), Labcorp
Classification: Pathogenic for Fanconi anemia complementation group O. Last evaluated: 2025-01-26. Review status: criteria provided, single submitter. Criteria: Invitae Variant Classification Sherloc (09022015). Collection method: clinical testing. Allele origin: germline.
Comment: This sequence change creates a premature translational stop signal (p.Ile244Metfs*9) in the RAD51C gene. It is expected to result in an absent or disrupted protein product. Loss-of-function variants in RAD51C are known to be pathogenic (PMID: 20400964, 21990120, 24800917, 29278735). This variant is not present in population databases (gnomAD no frequency). This premature translational stop signal has been observed in individual(s) with ovarian cancer (PMID: 26261251, 26720728). This variant is also known as c.731delT. ClinVar contains an entry for this variant (Variation ID: 409860). For these reasons, this variant has been classified as Pathogenic.

Molecular Pathology, Peter Maccallum Cancer Centre
Classification: Pathogenic for Familial ovarian cancer. Last evaluated: 2024-02-12. Review status: criteria provided, single submitter. Criteria: ACMG Guidelines, 2015. Collection method: clinical testing. Allele origin: germline. Inheritance: Autosomal dominant inheritance.

Myriad Genetics, Inc.
Classification: Pathogenic for Breast-ovarian cancer, familial, susceptibility to, 3. Last evaluated: 2023-04-05. Review status: criteria provided, single submitter. Criteria: Myriad Autosomal Dominant, Autosomal Recessive and X-Linked Classification Criteria (2023). Collection method: clinical testing. Allele origin: unknown.
Comment: This variant is considered pathogenic. This variant creates a frameshift predicted to result in premature protein truncation.

Institute for Clinical Genetics, University Hospital TU Dresden, University Hospital TU Dresden
Classification: Likely pathogenic. Last evaluated: 2023-02-10. Review status: criteria provided, single submitter. Criteria: ACMG Guidelines, 2015. Collection method: clinical testing. Allele origin: germline.
Comment: PM4, PS4, PM2_SUP

Baylor Genetics
Classification: Pathogenic for Breast-ovarian cancer, familial, susceptibility to, 3. Last evaluated: 2022-07-06. Review status: criteria provided, single submitter. Criteria: ACMG Guidelines, 2015. Collection method: clinical testing. Allele origin: unknown.

Color Diagnostics, LLC DBA Color Health
Classification: Pathogenic for Hereditary cancer-predisposing syndrome. Last evaluated: 2020-01-15. Review status: criteria provided, single submitter. Criteria: ACMG Guidelines, 2015. Collection method: clinical testing. Allele origin: germline.
Comment: This variant deletes 1 nucleotide in exon 5 of the RAD51C gene, creating a frameshift and premature translation stop signal. This variant is expected to result in an absent or non-functional protein product. This variant has not been identified in the general population by the Genome Aggregation Database (gnomAD). Loss of RAD51C function is a known mechanism of disease. Based on the available evidence, this variant is classified as Pathogenic.

Women's Health and Genetics/Laboratory Corporation of America, LabCorp
Classification: Likely pathogenic for Hereditary breast ovarian cancer syndrome. Last evaluated: 2016-12-16. Review status: criteria provided, single submitter. Criteria: LabCorp Variant Classification Summary - May 2015. Collection method: clinical testing. Allele origin: germline.
Comment: Variant summary: The RAD51C c.732delT (p.Ile244Metfs) variant results in a premature termination codon, predicted to cause a truncated or absent RAD51C protein due to nonsense mediated decay, which are commonly known mechanisms for disease. One in silico tool predicts a damaging outcome for this variant. This variant was found in 1/130846 control chromosomes at a frequency of 0.0000076, which does not exceed the estimated maximal expected allele frequency of a pathogenic RAD51C variant (0.0000625). The variant was reported in two affected individuals and one control individual from the literature (Song_2015, Norquist_2016). While this variant is predicted to be pathogenic, more clinical or functional data is needed to definitively classify this variant as pathogenic. Taken together, this variant is classified as likely pathogenic.

GeneDx
Classification: Likely pathogenic. Last evaluated: 2016-04-08. Review status: criteria provided, single submitter. Criteria: GeneDx Variant Classification (06012015). Collection method: clinical testing. Allele origin: germline. Affected: yes.
Comment: This deletion of one nucleotide in RAD51C is denoted c.732delT at the cDNA level and p.Ile244MetfsX9 (I244MfsX9) at the protein level. The normal sequence, with the base that is deleted in braces, is GTAT[T]GCTT. The deletion causes a frameshift which changes an Isoleucine to a Methionine at codon 244, and creates a premature stop codon at position 9 of the new reading frame. This variant is predicted to cause loss of normal protein function through either protein truncation or nonsense-mediated mRNA decay. RAD51C c.732delT, also known as 731delT using alternate nomenclature, has been observed in at least two individuals with a personal and family history of ovarian and/or breast cancer (Song 2015). Based on the currently available information, we consider this deletion to be a likely pathogenic variant.

Counsyl
Classification: Pathogenic for Fanconi anemia complementation group O; Breast-ovarian cancer, familial, susceptibility to, 3. Last evaluated: 2017-03-15. Review status: no assertion criteria provided. Collection method: clinical testing. Allele origin: unknown. Not counted in ClinVar's aggregate classification.

Literature cited by the submitters: PubMed 26261251 (cited by 4 submitters); PubMed 20400964 (cited by Labcorp Genetics (formerly Invitae), Labcorp); PubMed 21990120 (cited by Labcorp Genetics (formerly Invitae), Labcorp); PubMed 24800917 (cited by Labcorp Genetics (formerly Invitae), Labcorp); PubMed 29278735 (cited by Labcorp Genetics (formerly Invitae), Labcorp); PubMed 26720728 (cited by Labcorp Genetics (formerly Invitae), Labcorp and Counsyl).

NM_058216.3(RAD51C):c.732del (p.Ile244fs)

Gene: RAD51C (RAD51 paralog C; plus strand). Cytogenetic location: 17q22.
Variant type: Deletion.
Coding change: c.732del on transcript NM_058216.3 (MANE Select); coding-DNA position 732, one base deleted (T; older notation c.732delT).
Protein change: p.Ile244fs; shifts the reading frame from isoleucine 244.
Molecular consequence: frameshift variant. On other transcripts: non-coding transcript variant (1).
Genome position (GRCh38, 1-based): chr17:58,709,885, T deleted; the last of 2 consecutive T bases (chr17:58,709,884-58,709,885); deleting either gives the same sequence. VCF-style (leftmost placement, unchanged base first): chr17-58709883-AT-A. GRCh37 (hg19) VCF-style: chr17-56787244-AT-A.
Other names: c.732del (NM_058216.2); short protein forms I244fs.
Identifiers: ClinVar variation 409860 (VCV000409860.27), dbSNP rs1060502601, ClinGen allele CA16615746.